The following is an entry in ClinVar:

ClinVar aggregate classification (germline): Pathogenic (1 of 4 stars; one submission).

Submission:

GeneDx
Classification: Pathogenic. Last evaluated: 2018-02-05. Review status: criteria provided, single submitter. Criteria: GeneDx Variant Classification (06012015). Collection method: clinical testing. Allele origin: germline. Affected: yes.
Comment: The c.1556delG variant in the COL2A1 gene has not been reported previously as a pathogenic variant nor as a benign variant, to our knowledge. The c.1556delG variant causes a frameshift starting with codon Glycine 519, changes this amino acid to a Valine residue, and creates a premature Stop codon at position 110 of the new reading frame, denoted p.Gly519ValfsX110. This variant is predicted to cause loss of normal protein function either through protein truncation or nonsense-mediated mRNA decay. The c.1556delG variant is not observed in large population cohorts (Lek et al., 2016). We interpret c.1556delG as a pathogenic variant.

NM_001844.5(COL2A1):c.1556del (p.Gly519fs)

Gene: COL2A1 (collagen type II alpha 1 chain; minus strand). Cytogenetic location: 12q13.11.
Variant type: Deletion.
Coding change: c.1556del on transcript NM_001844.5 (MANE Select); coding-DNA position 1556, one base deleted (G; older notation c.1556delG).
Protein change: p.Gly519fs; shifts the reading frame from glycine 519.
Molecular consequence: frameshift variant.
Genome position (GRCh38, 1-based): chr12:47,985,937, C deleted on the plus strand (G on the coding strand, the reverse complement: COL2A1 is on the minus strand); the first of 2 consecutive C bases (chr12:47,985,937-47,985,938); deleting either gives the same sequence. VCF-style (leftmost placement, unchanged base first): chr12-47985936-AC-A. GRCh37 (hg19) VCF-style: chr12-48379719-AC-A.
Other names: c.1349del, p.Gly450fs (NM_033150.3); short protein forms G519fs, G450fs.
Identifiers: ClinVar variation 504238 (VCV000504238.2), dbSNP rs1555167140, ClinGen allele CA658797888.